The following is an entry in ClinVar:

NM_024854.5(PYROXD1):c.1179G>A (p.Ala393=)

Gene: PYROXD1 (pyridine nucleotide-disulphide oxidoreductase domain 1; plus strand). Cytogenetic location: 12p12.1.
Variant type: single nucleotide variant.
Coding change: c.1179G>A on transcript NM_024854.5 (MANE Select); coding-DNA position 1179, G replaced by A.
Protein change: p.Ala393=; no amino-acid change (alanine 393 retained).
Molecular consequence: synonymous variant.
Genome position (GRCh38, 1-based): chr12:21,467,543, G>A. VCF-style: chr12-21467543-G-A. GRCh37 (hg19) VCF-style: chr12-21620477-G-A.
Other names: c.966G>A, p.Ala322= (NM_001350912.2); c.402G>A, p.Ala134= (NM_001350913.2).
Identifiers: ClinVar variation 1571225 (VCV001571225.15), dbSNP rs146542607, ClinGen allele CA6478485.

ClinVar aggregate classification (germline): Likely benign. Review status: criteria provided, multiple submitters, no conflicts (2 of 4 stars). 2 submissions from 2 submitters: Likely benign (2). Last evaluated 2025-12-30.

Allele frequency attached by ClinVar (database versions not stated): ExAC 0.00005; gnomAD exomes 0.00007 and 0.00002; 1000 Genomes Project 30x 0.00016; 1000 Genomes Project 0.00020; gnomAD 0.00022 and 0.00026; TOPMed 0.00026; ESP Exome Variant Server 0.00031.

Submissions (2):

Labcorp Genetics (formerly Invitae), Labcorp
Classification: Likely benign. Last evaluated: 2025-12-30. Review status: criteria provided, single submitter. Criteria: Invitae Variant Classification Sherloc (09022015). Collection method: clinical testing. Allele origin: germline.

CeGaT Center for Human Genetics Tuebingen
Classification: Likely benign. Last evaluated: 2025-04-01. Review status: criteria provided, single submitter. Criteria: CeGaT Center For Human Genetics Tuebingen Variant Classification Criteria Version 2. Collection method: clinical testing. Allele origin: germline. Affected: yes. Observed: 1 variant allele.
Comment: PYROXD1: BP4, BP7